The following is an entry in ClinVar:

NM_001009944.3(PKD1):c.10615_10618+1del

Genes: PKD1 (polycystin 1, transient receptor potential channel interacting; minus strand), PKD1-AS1 (PKD1 antisense RNA 1; plus strand). Cytogenetic location: 16p13.3.
Variant type: Deletion.
Coding change: c.10615_10618+1del on transcript NM_001009944.3 (MANE Select); coding-DNA position 10615 through the canonical splice donor site of the intron after coding-DNA position 10618, 5 bases deleted (ACAGG; older notation c.10615_10618+1delACAGG).
Molecular consequence: splice donor variant.
Genome position (GRCh38, 1-based): chr16:2,094,091-2,094,095, CCTGT deleted on the plus strand (ACAGG on the coding strand, the reverse complement: PKD1 is on the minus strand); deleting any 5 consecutive bases within chr16:2,094,091-2,094,099 gives the same sequence; the c. name uses the placement nearest the transcript's 3' end. VCF-style (leftmost placement, unchanged base first): chr16-2094090-ACCTGT-A. GRCh37 (hg19) VCF-style: chr16-2144091-ACCTGT-A.
Other names: c.10612_10615+1del (NM_000296.4).
Identifiers: ClinVar variation 3066301 (VCV003066301.1), dbSNP rs2544653894, ClinGen allele CA2740098065.
Genomic context (GRCh38, chr16:2,094,090, plus strand): 5'-AGACCTGTGAGAGGCAGCTCACAGGGAGGGGCTAGGGGCATCCCGGGGCTACGCAAGCAC[ACCTGT>A]CCTGGACAGCCTCGCTGCCTGGGGCTGTTCCCAGTTCAGGCCTGGGCTGGGTGGCCCCAG-3'

ClinVar aggregate classification (germline): Pathogenic (1 of 4 stars; one submission).

Conditions:
Polycystic kidney disease, adult type (PKD1). Also called: Polycystic Kidney, Autosomal Dominant; POLYCYSTIC KIDNEY DISEASE 1 WITH OR WITHOUT POLYCYSTIC LIVER DISEASE; Polycystic Kidney Disease 1, Autosomal Dominant; Polycystic kidney disease 1; Polycystic kidney disease 1, severe; POLYCYSTIC KIDNEY DISEASE, ADULT, TYPE I. Identifiers: MedGen C3149841, MONDO:0008263, OMIM 173900.

Submission:

MVZ Medizinische Genetik Mainz
Classification: Pathogenic for Polycystic kidney disease, adult type. Last evaluated: 2023-04-21. Review status: criteria provided, single submitter. Criteria: UK Practice Guidelines For Variant Classification V4 01 2020. Collection method: clinical testing. Allele origin: germline. Inheritance: Autosomal dominant inheritance. Affected: yes. Observed: 1 variant allele.
Comment: ACMG Criteria: PVS1,PM2_SUP,PP4